The following is an entry in ClinVar:

NM_014516.4(CNOT3):c.732del (p.Ser245fs)

Gene: CNOT3 (CCR4-NOT transcription complex subunit 3; plus strand). Cytogenetic location: 19q13.42.
Variant type: Deletion.
Coding change: c.732del on transcript NM_014516.4 (MANE Select); coding-DNA position 732, one base deleted (C; older notation c.732delC).
Protein change: p.Ser245fs; shifts the reading frame from serine 245.
Molecular consequence: frameshift variant.
Genome position (GRCh38, 1-based): chr19:54,145,938, C deleted; the last of 8 consecutive C bases (chr19:54,145,931-54,145,938); deleting any one gives the same sequence. VCF-style (leftmost placement, unchanged base first): chr19-54145930-TC-T. GRCh37 (hg19) VCF-style: chr19-54649670-CT-C.
Other names: c.729del (NM_014516.4); short protein forms S245fs.
Identifiers: ClinVar variation 808649 (VCV000808649.46), dbSNP rs753475896, ClinGen allele CA915953008.

ClinVar aggregate classification (germline): Conflicting classifications of pathogenicity. Review status: criteria provided, conflicting classifications (1 of 4 stars). 4 submissions from 4 submitters: Pathogenic (1); Likely pathogenic (2); Uncertain significance (1). Last evaluated 2026-01-26.

Conditions:
Intellectual developmental disorder with speech delay, autism, and dysmorphic facies. Identifiers: MedGen C5231456, MONDO:0032864, OMIM 618672.

Submissions (4):

Clinical Genomics Laboratory, Washington University in St. Louis
Classification: Likely pathogenic for Intellectual developmental disorder with speech delay, autism, and dysmorphic facies. Last evaluated: 2026-01-26. Review status: criteria provided, single submitter. Criteria: ACMG Guidelines, 2015. Collection method: clinical testing. Allele origin: germline. Affected: yes.
Comment: The CNOT3 c.729del (p.Ser245Alafs*90) variant, to our knowledge, has not been reported in the medical literature but has been reported in the ClinVar database as a germline pathogenic variant, a likely pathogenic variant, and a variant of uncertain significance by one submitter each. This variant causes a frameshift by deleting a single nucleotide, leading to a premature termination codon, which is predicted to lead to nonsense-mediated decay. This variant is absent from the general population (gnomAD v2.1.1), indicating it is not a common variant. Based on available information and the ACMG/AMP guidelines for variant interpretation (Richards S et al., PMID: 25741868), this variant is classified as likely pathogenic.

GeneDx
Classification: Pathogenic. Last evaluated: 2025-04-22. Review status: criteria provided, single submitter. Criteria: GeneDx Variant Classification Process June 2021. Collection method: clinical testing. Allele origin: germline. Affected: yes.
Comment: Frameshift variant predicted to result in protein truncation or nonsense mediated decay in a gene for which loss of function is a known mechanism of disease; Has not been previously published as pathogenic or benign to our knowledge

Genetics Laboratory, UDIAT-Centre Diagnòstic, Hospital Universitari Parc Tauli
Classification: Likely pathogenic for intellectual developmental disorder with speech delay, autism, and dysmorphic facies. Last evaluated: 2025-03-31. Review status: criteria provided, single submitter. Criteria: ACMG Guidelines, 2015. Collection method: clinical testing. Allele origin: unknown. Inheritance: Autosomal dominant inheritance. Affected: yes.
Comment: PVS1_very strong;PM1_supporting

CeGaT Center for Human Genetics Tuebingen
Classification: Uncertain significance. Last evaluated: 2019-05-01. Review status: criteria provided, single submitter. Criteria: CeGaT Center For Human Genetics Tuebingen Variant Classification Criteria Version 2. Collection method: clinical testing. Allele origin: germline. Affected: yes. Observed: 2 variant alleles.